The following is an entry in ClinVar:

ClinVar aggregate classification (germline): Benign/Likely benign. Review status: criteria provided, multiple submitters, no conflicts (2 of 4 stars). 5 submissions from 5 submitters: Benign (1); Likely benign (4). Last evaluated 2026-04-20.

Conditions:
DICER1-related tumor predisposition. Also called: DICER1 syndrome; DICER1-related pleuropulmonary blastoma cancer predisposition syndrome. Identifiers: Orphanet 284343, MedGen C3839822, MONDO:0100216.
Hereditary cancer-predisposing syndrome. Also called: Hereditary Cancer Syndrome; Tumor predisposition; Neoplastic Syndromes, Hereditary; Hereditary neoplastic syndrome. Identifiers: Orphanet 140162, MedGen C0027672, MeSH D009386, MONDO:0015356.

Allele frequency attached by ClinVar (database versions not stated): gnomAD exomes below 0.00001 and 0.00001; gnomAD 0.00001.
gnomAD v4.1: 16 of 1,611,618 alleles (0.00099%); highest among the groups gnomAD compares: Admixed American, 0.0017%; no homozygotes.

Submissions (5):

Myriad Genetics, Inc.
Classification: Benign for DICER1-related tumor predisposition. Last evaluated: 2026-04-20. Review status: criteria provided, single submitter. Criteria: Myriad Autosomal Dominant, Autosomal Recessive and X-Linked Classification Criteria (2023). Collection method: clinical testing. Allele origin: unknown.
Comment: This variant is considered benign. This variant is a silent/synonymous amino acid change and it is not expected to impact splicing.

CeGaT Center for Human Genetics Tuebingen
Classification: Likely benign. Last evaluated: 2026-03-01. Review status: criteria provided, single submitter. Criteria: CeGaT Center For Human Genetics Tuebingen Variant Classification Criteria Version 2. Collection method: clinical testing. Allele origin: germline. Affected: yes. Observed: 1 variant allele.
Comment: DICER1: BP4, BP7

Labcorp Genetics (formerly Invitae), Labcorp
Classification: Likely benign for DICER1-related tumor predisposition. Last evaluated: 2026-01-19. Review status: criteria provided, single submitter. Criteria: Invitae Variant Classification Sherloc (09022015). Collection method: clinical testing. Allele origin: germline.

Sema4
Classification: Likely benign for Hereditary cancer-predisposing syndrome. Last evaluated: 2021-05-29. Review status: criteria provided, single submitter. Criteria: Sema4 Curation Guidelines. Collection method: curation. Allele origin: germline.

Ambry Genetics
Classification: Likely benign for Hereditary cancer-predisposing syndrome. Last evaluated: 2017-10-12. Review status: criteria provided, single submitter. Criteria: Ambry Variant Classification Scheme 2023. Collection method: clinical testing. Allele origin: germline.

NM_177438.3(DICER1):c.4296G>A (p.Pro1432=)

Gene: DICER1 (dicer 1, ribonuclease III; minus strand). Cytogenetic location: 14q32.13.
Variant type: single nucleotide variant.
Coding change: c.4296G>A on transcript NM_177438.3 (MANE Select); coding-DNA position 4296, G replaced by A.
Protein change: p.Pro1432=; no amino-acid change (proline 1432 retained).
Molecular consequence: synonymous variant.
Genome position (GRCh38, 1-based): chr14:95,096,624, C>T on the plus strand (G>A on the coding strand, the complement: DICER1 is on the minus strand). VCF-style: chr14-95096624-C-T. GRCh37 (hg19) VCF-style: chr14-95562961-C-T.
Other names: c.4296G>A, p.Pro1432= (NM_001195573.1, NM_001271282.3, NM_001291628.2 and 1 more transcripts).
Identifiers: ClinVar variation 71857 (VCV000071857.21), dbSNP rs146679273, ClinGen allele CA265898409.